The following is an entry in ClinVar:

ClinVar aggregate classification (germline): Uncertain significance (1 of 4 stars; one submission).

Conditions:
Primary dilated cardiomyopathy (DCM). Also called: Dilated Cardiomyopathy. Identifiers: Orphanet 217604, MedGen C0007193, MeSH D002311, MONDO:0005021, HP:0001644. Inheritance: Various modes of inheritance.

gnomAD v4.1: 2 of 1,608,770 alleles (0.00012%); highest among the groups gnomAD compares: Middle Eastern, 0.033%; no homozygotes.

Submission:

Labcorp Genetics (formerly Invitae), Labcorp
Classification: Uncertain significance for Primary dilated cardiomyopathy. Last evaluated: 2025-02-15. Review status: criteria provided, single submitter. Criteria: Invitae Variant Classification Sherloc (09022015). Collection method: clinical testing. Allele origin: germline.
Comment: This sequence change replaces proline, which is neutral and non-polar, with threonine, which is neutral and polar, at codon 122 of the TXNRD2 protein (p.Pro122Thr). This variant is not present in population databases (gnomAD no frequency). This variant has not been reported in the literature in individuals affected with TXNRD2-related conditions. ClinVar contains an entry for this variant (Variation ID: 2915829). Invitae Evidence Modeling of protein sequence and biophysical properties (such as structural, functional, and spatial information, amino acid conservation, physicochemical variation, residue mobility, and thermodynamic stability) indicates that this missense variant is not expected to disrupt TXNRD2 protein function with a negative predictive value of 80%. In summary, the available evidence is currently insufficient to determine the role of this variant in disease. Therefore, it has been classified as a Variant of Uncertain Significance.

NM_006440.5(TXNRD2):c.364C>A (p.Pro122Thr)

Gene: TXNRD2 (thioredoxin reductase 2; minus strand). Cytogenetic location: 22q11.21.
Variant type: single nucleotide variant.
Coding change: c.364C>A on transcript NM_006440.5 (MANE Select); coding-DNA position 364, C replaced by A.
Protein change: p.Pro122Thr; replaces proline 122 with threonine.
Molecular consequence: missense variant. On other transcripts: non-coding transcript variant (1).
Genome position (GRCh38, 1-based): chr22:19,918,870, G>T on the plus strand (C>A on the coding strand, the complement: TXNRD2 is on the minus strand). VCF-style: chr22-19918870-G-T. GRCh37 (hg19) VCF-style: chr22-19906393-G-T.
Other names: c.364C>A, p.Pro122Thr (NM_001282512.3); c.361C>A, p.Pro121Thr (NM_001352300.2); c.274C>A, p.Pro92Thr (NM_001352301.2); c.76C>A, p.Pro26Thr (NM_001352302.2); c.268C>A, p.Pro90Thr (NM_001352303.2); short protein forms P121T, P122T, P26T, P90T, P92T.
Identifiers: ClinVar variation 2915829 (VCV002915829.3), dbSNP rs1432720365, ClinGen allele CA410693651.